The following is an entry in ClinVar:

ClinVar aggregate classification (germline): Likely pathogenic (1 of 4 stars; one submission).

Allele frequency attached by ClinVar (database versions not stated): 1000 Genomes Project 0.00060; 1000 Genomes Project 30x 0.00047.

Submission:

GeneDx
Classification: Likely pathogenic. Last evaluated: 2019-10-11. Review status: criteria provided, single submitter. Criteria: GeneDx Variant Classification Process June 2021. Collection method: clinical testing. Allele origin: germline. Affected: yes.
Comment: The majority of missense variants in this gene are considered pathogenic (Stenson et al., 2014); In silico analysis, which includes protein predictors and evolutionary conservation, supports a deleterious effect; Identified with additional variant(s) in multiple Indian patients with 5-alpha-reductase deficiency in published literature (Shabir et al., 2015); This variant is associated with the following publications: (PMID: 30550360, 26453174, 23112260)

NM_000348.4(SRD5A2):c.154G>A (p.Ala52Thr)

Gene: SRD5A2 (steroid 5 alpha-reductase 2; minus strand). Cytogenetic location: 2p23.1.
Variant type: single nucleotide variant.
Coding change: c.154G>A on transcript NM_000348.4 (MANE Select); coding-DNA position 154, G replaced by A.
Protein change: p.Ala52Thr; replaces alanine 52 with threonine.
Molecular consequence: missense variant.
Genome position (GRCh38, 1-based): chr2:31,580,747, C>T on the plus strand (G>A on the coding strand, the complement: SRD5A2 is on the minus strand). VCF-style: chr2-31580747-C-T. GRCh37 (hg19) VCF-style: chr2-31805817-C-T.
Other names: short protein forms A52T.
Identifiers: ClinVar variation 1208410 (VCV001208410.3), dbSNP rs564403641, ClinGen allele CA1600019.